The following is an entry in ClinVar:

ClinVar aggregate classification (germline): Conflicting classifications of pathogenicity. Review status: criteria provided, conflicting classifications (1 of 4 stars). 3 submissions from 3 submitters: Uncertain significance (2); Likely benign (1). Last evaluated 2026-05-01.

Conditions:
Kleefstra syndrome 1 (KLEFS1). Identifiers: Orphanet 261494, MedGen C0795833, MONDO:0027407, OMIM 610253.
Inborn genetic diseases. Identifiers: MedGen C0950123, MeSH D030342.

Allele frequency attached by ClinVar (database versions not stated): TOPMed below 0.00001; gnomAD 0.00002.
gnomAD v4.1: 37 of 1,610,090 alleles (0.0023%); highest among the groups gnomAD compares: Non-Finnish European, 0.0012%; no homozygotes.

Submissions (3):

CeGaT Center for Human Genetics Tuebingen
Classification: Uncertain significance. Last evaluated: 2026-05-01. Review status: criteria provided, single submitter. Criteria: CeGaT Center For Human Genetics Tuebingen Variant Classification Criteria Version 2. Collection method: clinical testing. Allele origin: germline. Affected: yes. Observed: 1 variant allele.

Labcorp Genetics (formerly Invitae), Labcorp
Classification: Likely benign for Kleefstra syndrome 1. Last evaluated: 2024-10-23. Review status: criteria provided, single submitter. Criteria: Invitae Variant Classification Sherloc (09022015). Collection method: clinical testing. Allele origin: germline.

Ambry Genetics
Classification: Uncertain significance for Inborn genetic diseases. Last evaluated: 2017-12-15. Review status: criteria provided, single submitter. Criteria: Ambry Variant Classification Scheme 2023. Collection method: clinical testing. Allele origin: germline.
Comment: The p.T54I variant (also known as c.161C>T), located in coding exon 3 of the EHMT1 gene, results from a C to T substitution at nucleotide position 161. The threonine at codon 54 is replaced by isoleucine, an amino acid with similar properties. This amino acid position is well conserved in available vertebrate species. In addition, the in silico prediction for this alteration is inconclusive. Since supporting evidence is limited at this time, the clinical significance of this alteration remains unclear.

NM_024757.5(EHMT1):c.161C>T (p.Thr54Ile)

Gene: EHMT1 (euchromatic histone lysine methyltransferase 1; plus strand). Cytogenetic location: 9q34.3.
Variant type: single nucleotide variant.
Coding change: c.161C>T on transcript NM_024757.5 (MANE Select); coding-DNA position 161, C replaced by T.
Protein change: p.Thr54Ile; replaces threonine 54 with isoleucine.
Molecular consequence: missense variant.
Genome position (GRCh38, 1-based): chr9:137,716,701, C>T. VCF-style: chr9-137716701-C-T. GRCh37 (hg19) VCF-style: chr9-140611153-C-T.
Other names: c.161C>T, p.Thr54Ile (NM_001145527.2, NM_001354263.2, NM_001354611.2); c.68C>T, p.Thr23Ile (NM_001354259.2, NM_001354612.2); short protein forms T23I, T54I.
Identifiers: ClinVar variation 1434217 (VCV001434217.10), dbSNP rs757663357, ClinGen allele CA5374197.